The following is an entry in ClinVar:

NM_016816.4(OAS1):c.*51C>T

Gene: OAS1 (2'-5'-oligoadenylate synthetase 1; plus strand). Cytogenetic location: 12q24.13.
Variant type: single nucleotide variant.
Coding change: c.*51C>T on transcript NM_016816.4 (MANE Select); 51 bases downstream of the stop codon, C replaced by T.
Molecular consequence: 3 prime UTR variant. On other transcripts: missense variant (3), non-coding transcript variant (9), intron variant (2).
Genome position (GRCh38, 1-based): chr12:112,919,604, C>T. VCF-style: chr12-112919604-C-T. GRCh37 (hg19) VCF-style: chr12-113357409-C-T.
Other names: c.1156C>T, p.Leu386Phe (NM_001032409.3); c.1132C>T, p.Leu378Phe (NM_001406020.1); c.*51C>T (NM_001406021.1, NM_001406027.1); c.*891C>T (NM_001406022.1, NM_001406023.1, NM_001406029.1); c.*1847C>T (NM_001406024.1, NM_001406030.1); c.682C>T, p.Leu228Phe (NM_001406026.1); c.1038+1904C>T (NM_001320151.2); c.1014+1904C>T (NM_001406025.1); short protein forms L228F, L378F, L386F.
Identifiers: ClinVar variation 3039452 (VCV003039452.2), dbSNP rs34354934, ClinGen allele CA6800039.

ClinVar aggregate classification (germline): Likely benign (0 of 4 stars; one submission).

Conditions:
OAS1-related disorder. Also called: OAS1-related condition.

Allele frequency attached by ClinVar (database versions not stated): gnomAD exomes 0.00023; ExAC 0.00072; gnomAD 0.00239; 1000 Genomes Project 30x 0.00250; TOPMed 0.00255; 1000 Genomes Project 0.00260; ESP Exome Variant Server 0.00261.
gnomAD v4.1: 740 of 1,613,934 alleles (0.046%); highest among the groups gnomAD compares: African/African-American, 0.82%; 4 homozygotes.

Submission:

PreventionGenetics, part of Exact Sciences
Classification: Likely benign for OAS1-related condition. Last evaluated: 2024-02-05. Review status: no assertion criteria provided. Collection method: clinical testing. Allele origin: germline.
Comment: This variant is classified as likely benign based on ACMG/AMP sequence variant interpretation guidelines (Richards et al. 2015 PMID: 25741868, with internal and published modifications).